The following is an entry in ClinVar:

NM_138369.3(BOD1):c.457del (p.Ile153fs)

Gene: BOD1 (biorientation of chromosomes in cell division 1; minus strand). Cytogenetic location: 5q35.2.
Variant type: Deletion.
Coding change: c.457del on transcript NM_138369.3 (MANE Select); coding-DNA position 457, one base deleted (A; older notation c.457delA).
Protein change: p.Ile153fs; shifts the reading frame from isoleucine 153.
Molecular consequence: frameshift variant. On other transcripts: non-coding transcript variant (4), intron variant (1).
Genome position (GRCh38, 1-based): chr5:173,609,340, T deleted on the plus strand (A on the coding strand, the reverse complement: BOD1 is on the minus strand); the first of 2 consecutive T bases (chr5:173,609,340-173,609,341); deleting either gives the same sequence. VCF-style (leftmost placement, unchanged base first): chr5-173609339-AT-A. GRCh37 (hg19) VCF-style: chr5-173036342-AT-A.
Other names: c.363-1048del (NM_001159651.3); short protein forms I153fs.
Identifiers: ClinVar variation 3056998 (VCV003056998.3), dbSNP rs2480016428, ClinGen allele CA2676552045.
Genomic context (GRCh38, chr5:173,609,339, plus strand): 5'-TCGGGCTCTGGAGGGGGTGCTGGCACAGCTGCTTTTTTCTGGGCCGCCAGGAACTCATGA[AT>A]TGCTCGTTCTATTTGTGGCCTGAAGATGTGGTTAAGTTTTGGATCCACCACCTGAGAAAT-3'

ClinVar aggregate classification (germline): Uncertain significance (1 of 4 stars; one submission).

Conditions:
BOD1-related disorder. Also called: BOD1-related condition.

Submission:

PreventionGenetics, part of Exact Sciences
Classification: Uncertain significance for BOD1-related condition. Last evaluated: 2025-12-19. Review status: criteria provided, single submitter. Criteria: ACMG Guidelines, 2015. Collection method: clinical testing. Allele origin: germline.
Comment: The BOD1 c.457delA variant is predicted to result in a frameshift and premature protein termination (p.Ile153Phefs*41). To our knowledge, this variant has not been reported in the literature or in a large population database (gnomAD), indicating this variant is rare. Loss of function is not an established mechanism of BOD1-related disease. At this time, the clinical significance of this variant is uncertain due to the absence of conclusive functional and genetic evidence.